The following is an entry in ClinVar:

NM_182948.4(PRKACB):c.910C>T (p.Arg304Ter)

Gene: PRKACB (protein kinase cAMP-activated catalytic subunit beta; plus strand). Cytogenetic location: 1p31.1.
Variant type: single nucleotide variant.
Coding change: c.910C>T on transcript NM_182948.4 (MANE Select); coding-DNA position 910, C replaced by T.
Protein change: p.Arg304Ter; replaces arginine 304 with a stop codon.
Molecular consequence: nonsense.
Genome position (GRCh38, 1-based): chr1:84,214,156, C>T. VCF-style: chr1-84214156-C-T. GRCh37 (hg19) VCF-style: chr1-84679839-C-T.
Other names: c.790C>T, p.Arg264Ter (NM_001242857.3); c.733C>T, p.Arg245Ter (NM_001242858.3); c.781C>T, p.Arg261Ter (NM_001242859.3); c.787C>T, p.Arg263Ter (NM_001242860.3); c.679C>T, p.Arg227Ter (NM_001242861.3); c.730C>T, p.Arg244Ter (NM_001242862.3, NM_001375565.1); c.778C>T, p.Arg260Ter (NM_001375560.1); c.763C>T, p.Arg255Ter (NM_001375561.1); and 4 more; short protein forms R255*, R256*, R260*, R227*, R245*, R253*, R261*, R263*.
Identifiers: ClinVar variation 5009767 (VCV005009767.1).

ClinVar aggregate classification (germline): Uncertain significance (1 of 4 stars; one submission).

Submission:

GeneDx
Classification: Uncertain significance. Last evaluated: 2026-02-18. Review status: criteria provided, single submitter. Criteria: GeneDx Variant Classification Process June 2021. Collection method: clinical testing. Allele origin: germline.
Comment: Not observed at significant frequency in large population cohorts (gnomAD); Has not been previously published as pathogenic or benign to our knowledge; Nonsense variant predicted to result in protein truncation or nonsense mediated decay in a gene or region of a gene for which loss of function is not an established mechanism of disease